The following is an entry in ClinVar:

NM_001447.3(FAT2):c.2917C>T (p.Arg973Trp)

Gene: FAT2 (FAT atypical cadherin 2; minus strand). Cytogenetic location: 5q33.1.
Variant type: single nucleotide variant.
Coding change: c.2917C>T on transcript NM_001447.3 (MANE Select); coding-DNA position 2917, C replaced by T.
Protein change: p.Arg973Trp; replaces arginine 973 with tryptophan.
Molecular consequence: missense variant.
Genome position (GRCh38, 1-based): chr5:151,566,015, G>A on the plus strand (C>T on the coding strand, the complement: FAT2 is on the minus strand). VCF-style: chr5-151566015-G-A. GRCh37 (hg19) VCF-style: chr5-150945576-G-A.
Other names: short protein forms R973W.
Identifiers: ClinVar variation 2897321 (VCV002897321.3), dbSNP rs777929497, ClinGen allele CA3521966.

ClinVar aggregate classification (germline): Uncertain significance (1 of 4 stars; one submission).

Allele frequency attached by ClinVar (database versions not stated): gnomAD 0.00007; ExAC 0.00007; TOPMed 0.00002.
gnomAD v4.1: 79 of 1,613,990 alleles (0.0049%); highest among the groups gnomAD compares: Middle Eastern, 0.016%; no homozygotes.

Submission:

Labcorp Genetics (formerly Invitae), Labcorp
Classification: Uncertain significance. Last evaluated: 2025-10-08. Review status: criteria provided, single submitter. Criteria: Invitae Variant Classification Sherloc (09022015). Collection method: clinical testing. Allele origin: germline.
Comment: This sequence change replaces arginine, which is basic and polar, with tryptophan, which is neutral and slightly polar, at codon 973 of the FAT2 protein (p.Arg973Trp). This variant is present in population databases (rs777929497, gnomAD 0.06%), and has an allele count higher than expected for a pathogenic variant. This variant has not been reported in the literature in individuals affected with FAT2-related conditions. ClinVar contains an entry for this variant (Variation ID: 2897321). Invitae Evidence Modeling of protein sequence and biophysical properties (such as structural, functional, and spatial information, amino acid conservation, physicochemical variation, residue mobility, and thermodynamic stability) indicates that this missense variant is not expected to disrupt FAT2 protein function with a negative predictive value of 80%. In summary, the available evidence is currently insufficient to determine the role of this variant in disease. Therefore, it has been classified as a Variant of Uncertain Significance.